The following is an entry in ClinVar:

ClinVar aggregate classification (germline): Uncertain significance (1 of 4 stars; one submission).

Allele frequency attached by ClinVar (database versions not stated): gnomAD exomes 0.00004; ExAC 0.00006; 1000 Genomes Project 0.00020; gnomAD 0.00029; TOPMed 0.00033; 1000 Genomes Project 30x 0.00047; ESP Exome Variant Server 0.00054.
gnomAD v4.1: 101 of 1,614,054 alleles (0.0063%); highest among the groups gnomAD compares: African/African-American, 0.11%; no homozygotes.

Submission:

Labcorp Genetics (formerly Invitae), Labcorp
Classification: Uncertain significance. Last evaluated: 2023-04-10. Review status: criteria provided, single submitter. Criteria: Invitae Variant Classification Sherloc (09022015). Collection method: clinical testing. Allele origin: germline.
Comment: In summary, the available evidence is currently insufficient to determine the role of this variant in disease. Therefore, it has been classified as a Variant of Uncertain Significance. An algorithm developed to predict the effect of missense changes on protein structure and function (PolyPhen-2) suggests that this variant is likely to be disruptive. This variant has not been reported in the literature in individuals affected with F12-related conditions. This variant is present in population databases (rs138423738, gnomAD 0.09%). This sequence change replaces leucine, which is neutral and non-polar, with phenylalanine, which is neutral and non-polar, at codon 18 of the F12 protein (p.Leu18Phe).

NM_000505.4(F12):c.52C>T (p.Leu18Phe)

Gene: F12 (coagulation factor XII; minus strand). Cytogenetic location: 5q35.3.
Variant type: single nucleotide variant.
Coding change: c.52C>T on transcript NM_000505.4 (MANE Select); coding-DNA position 52, C replaced by T.
Protein change: p.Leu18Phe; replaces leucine 18 with phenylalanine.
Molecular consequence: missense variant.
Genome position (GRCh38, 1-based): chr5:177,409,476, G>A on the plus strand (C>T on the coding strand, the complement: F12 is on the minus strand). VCF-style: chr5-177409476-G-A. GRCh37 (hg19) VCF-style: chr5-176836477-G-A.
Other names: short protein forms L18F.
Identifiers: ClinVar variation 2849386 (VCV002849386.3), dbSNP rs138423738, ClinGen allele CA3581649.
Genomic context (GRCh38, chr5:177,409,476, plus strand): 5'-TGATAGCGACCCCCCAGAACAATCCTGGGACAATCCTGGTTCCCACAGCACTCACCGAAA[G>A]TGTTGACTCCAAGCTCACCAGCAGGAACCCCAGGAGCAGCAGAGCCCTCATGGCATCCGT-3'
Protein context (NP_000496.2, residues 8-28): GFLLVSLEST[Leu18Phe]SIPPWEAPKE